The following is an entry in ClinVar:

ClinVar aggregate classification (germline): Benign/Likely benign. Review status: criteria provided, multiple submitters, no conflicts (2 of 4 stars). 3 submissions from 3 submitters: Benign (2); Likely benign (1). Last evaluated 2026-05-01.

Allele frequency attached by ClinVar (database versions not stated): 1000 Genomes Project 0.00339; 1000 Genomes Project 30x 0.00359; TOPMed 0.00433; gnomAD exomes 0.00491 and 0.00698; ExAC 0.00502; gnomAD 0.00518 and 0.00524; ESP Exome Variant Server 0.00638.
gnomAD v4.1: 10,606 of 1,568,454 alleles (0.68%); highest among the groups gnomAD compares: Non-Finnish European, 0.8%; 46 homozygotes.

Submissions (3):

CeGaT Center for Human Genetics Tuebingen
Classification: Likely benign. Last evaluated: 2026-05-01. Review status: criteria provided, single submitter. Criteria: CeGaT Center For Human Genetics Tuebingen Variant Classification Criteria Version 2. Collection method: clinical testing. Allele origin: germline. Affected: yes. Observed: 12 variant alleles.
Comment: ADD3: BP4, BP7, BS2

Labcorp Genetics (formerly Invitae), Labcorp
Classification: Benign. Last evaluated: 2026-02-01. Review status: criteria provided, single submitter. Criteria: Invitae Variant Classification Sherloc (09022015). Collection method: clinical testing. Allele origin: germline.

Breakthrough Genomics
Classification: Benign. Review status: criteria provided, single submitter. Criteria: ACMG Guidelines, 2015. Collection method: not provided. Allele origin: germline. Inheritance: Autosomal recessive inheritance. Affected: yes.

NM_016824.5(ADD3):c.489A>G (p.Val163=)

Gene: ADD3 (adducin 3; plus strand). Cytogenetic location: 10q25.2.
Variant type: single nucleotide variant.
Coding change: c.489A>G on transcript NM_016824.5 (MANE Select); coding-DNA position 489, A replaced by G.
Protein change: p.Val163=; no amino-acid change (valine 163 retained).
Molecular consequence: synonymous variant.
Genome position (GRCh38, 1-based): chr10:110,117,344, A>G. VCF-style: chr10-110117344-A-G. GRCh37 (hg19) VCF-style: chr10-111877102-A-G.
Other names: c.489A>G, p.Val163= (NM_001121.4, NM_001320591.2, NM_001320592.2 and 2 more transcripts); c.255A>G, p.Val85= (NM_001320594.2).
Identifiers: ClinVar variation 717243 (VCV000717243.35), dbSNP rs140299264, ClinGen allele CA5686373.